The following is an entry in ClinVar:

NM_001029883.3(PCARE):c.1697AGG[3] (p.Glu569del)

Gene: PCARE (photoreceptor cilium actin regulator; minus strand). Cytogenetic location: 2p23.2.
Variant type: Microsatellite.
Coding change: c.1697AGG[3] on transcript NM_001029883.3 (MANE Select); three copies in a row of the 3-base unit AGG starting at c.1697; the reference has four copies in a row; one copy, 3 bases deleted.
Protein change: p.Glu569del; deletes glutamic acid 569.
Molecular consequence: inframe deletion.
Genome position (GRCh38, 1-based): chr2:29,072,554-29,072,556, CCT deleted on the plus strand (AGG on the coding strand, the reverse complement: PCARE is on the minus strand); deleting any 3 consecutive bases within chr2:29,072,554-29,072,566 gives the same sequence; the position shown is the placement nearest the transcript's 3' end. VCF-style (leftmost placement, unchanged base first): chr2-29072553-CCCT-C. GRCh37 (hg19) VCF-style: chr2-29295419-CCCT-C.
Other names: short protein forms E569del.
Identifiers: ClinVar variation 852999 (VCV000852999.8), dbSNP rs755160338, ClinGen allele CA1592370.
Genomic context (GRCh38, chr2:29,072,553, plus strand): 5'-CTCTCAGGGGCCCTCCTGCTGCCACTTACCGTGCTAGGTCTTGGGGGGACCACTGTCCTC[CCCT>C]CCTCCTCCTCAGACCAGTCCTGGTGCCCACAGGGCACAGGGACAAACTTGATCCTTTCGC-3'

ClinVar aggregate classification (germline): Uncertain significance. Review status: criteria provided, multiple submitters, no conflicts (2 of 4 stars). 2 submissions from 2 submitters: Uncertain significance (2). Last evaluated 2021-09-05.

Submissions (2):

Blueprint Genetics
Classification: Uncertain significance. Last evaluated: 2021-09-05. Review status: criteria provided, single submitter. Criteria: ACMG Guidelines, 2015. Collection method: clinical testing. Allele origin: germline.

Labcorp Genetics (formerly Invitae), Labcorp
Classification: Uncertain significance. Last evaluated: 2021-08-31. Review status: criteria provided, single submitter. Criteria: Invitae Variant Classification Sherloc (09022015). Collection method: clinical testing. Allele origin: germline.
Comment: This variant, c.1706_1708del, results in the deletion of 1 amino acid(s) of the PCARE protein (p.Glu569del), but otherwise preserves the integrity of the reading frame. This variant is present in population databases (rs755160338, ExAC 0.01%). This variant has not been reported in the literature in individuals affected with PCARE-related conditions. Experimental studies and prediction algorithms are not available or were not evaluated, and the functional significance of this variant is currently unknown. In summary, the available evidence is currently insufficient to determine the role of this variant in disease. Therefore, it has been classified as a Variant of Uncertain Significance.